The following continues an entry in ClinVar:

NM_000545.8(HNF1A):c.811C>T (p.Arg271Trp)

Gene: HNF1A. ClinVar aggregate classification (germline): Pathogenic. Pathogenic (1).

Submissions 5 to 9 of 9:

GeneDx
Classification: Pathogenic. Last evaluated: 2023-05-15. Review status: criteria provided, single submitter. Criteria: GeneDx Variant Classification Process June 2021. Collection method: clinical testing. Allele origin: germline. Affected: yes. Not counted in ClinVar's aggregate classification.
Comment: Published functional studies demonstrate a damaging effect on affinity, DNA binding, and transcriptional activity (Galn et al., 2011); In silico analysis supports that this missense variant has a deleterious effect on protein structure/function; Reliable data are not available in large population cohorts to assess the frequency of this variant in publicly available databases.; This variant is associated with the following publications: (PMID: 20393147, 18838325, 21051477, 33459938, 31264968, 9754819, 21170474, 26853433, 12574234, 16274290, 12453420, 16562587, 16249556, 11058894, 35592779, 34746319, 18003757)

Women's Health and Genetics/Laboratory Corporation of America, LabCorp
Classification: Pathogenic for Maturity-onset diabetes of the young. Last evaluated: 2023-05-02. Review status: criteria provided, single submitter. Criteria: LabCorp Variant Classification Summary - May 2015. Collection method: clinical testing. Allele origin: germline. Not counted in ClinVar's aggregate classification.
Comment: Variant summary: HNF1A c.811C>T (p.Arg271Trp) results in a non-conservative amino acid change located in the Homeobox domain (IPR001356) of the encoded protein sequence. Five of five in-silico tools predict a damaging effect of the variant on protein function. The variant was absent in 249290 control chromosomes. c.811C>T has been reported in the literature in multiple individuals affected with Maturity Onset Diabetes Of The Young 3. These data indicate that the variant is very likely to be associated with disease. At least one publication reports experimental evidence evaluating an impact on protein function. The most pronounced variant effect results in 10%-<30% of normal activity in its ability to activate transcription using a luciferase reporter gene (example, PMID 12574234). The following publications have been ascertained in the context of this evaluation (PMID: 9754819, 12574234, 10333057, 12488961, 11058894, 16562587, 16274290, 12453420, 18838325). Five clinical diagnostic laboratories and the ClinGen Monogenic Diabetes Variant Curation Expert Panel have submitted clinical-significance assessments for this variant to ClinVar after 2014. All submitters classified the variant as pathogenic. Based on the evidence outlined above, the variant was classified as pathogenic.

Genetic Services Laboratory, University of Chicago
Classification: Pathogenic. Last evaluated: 2020-09-16. Review status: criteria provided, single submitter. Criteria: ACMG Guidelines, 2015. Collection method: clinical testing. Allele origin: germline. Affected: yes. Not counted in ClinVar's aggregate classification.
Comment: DNA sequence analysis of the HNF1A gene demonstrated a sequence change, c.811C>T, in exon 4 that results in an amino acid change, p.Arg271Trp. This sequence change has been previously described in a family with MODY (PMID: 9754819). Functional studies showed that this variant impairs HNF1A activity; it had an impact on DNA binding with decrease in both affinity and maximal binding (PMID: 21170474). This sequence change is absent from the large population databases such as ExAC and gnomAD (dbSNP rs886039386). The p.Arg271Trp change affects a highly conserved amino acid residue located in the DNA recognition domain (homeodomain) of the DNA binding region of the HNF1A protein which is known to be functional. The p.Arg271Trp substitution appears to be deleterious using several in-silico pathogenicity prediction tools (SIFT, PolyPhen2, Align GVGD, REVEL). The p.Arg271Trp amino acid change occurs in a region of the HNF1A gene where other missense sequence changes have been described in patients with HNF1A-related MODY.

Athena Diagnostics
Classification: Pathogenic. Last evaluated: 2017-11-13. Review status: criteria provided, single submitter. Criteria: Athena Diagnostics Criteria. Collection method: clinical testing. Allele origin: germline. Not counted in ClinVar's aggregate classification.

Ambry Genetics
Classification: Pathogenic for Maturity-onset diabetes of the young. Last evaluated: 2016-11-11. Review status: criteria provided, single submitter. Criteria: Ambry Variant Classification Scheme 2023. Collection method: clinical testing. Allele origin: germline. Not counted in ClinVar's aggregate classification.
Comment: The p.R271W pathogenic mutation (also known as c.811C>T), located in coding exon 4 of the HNF1A gene, results from a C to T substitution at nucleotide position 811. The arginine at codon 271 is replaced by tryptophan, an amino acid with dissimilar properties. This mutation was first described to segregate with disease in a French MODY kindred (Ch&egrave;vre JC et al. Diabetologia, 1998 Sep;41:1017-23). It has subsequently been reported in additional MODY patients, including as a de novo occurrence in one individual, paternity confirmed (Malecki MT et al. Diabetes Care, 2005 Nov;28:2774-6). In vitro studies using HeLa cells showed that the p.R271W mutation results in abnormal localization of the mutant protein and a significant reduction (p<0.01) in transactivation activity as compared to wild-type (Bj&oslash;rkhaug L et al. J. Clin. Endocrinol. Metab., 2003 Feb;88:920-31). Based on the supporting evidence, this alteration is interpreted as a disease-causing mutation.

Literature cited by the submitters: PubMed 9754819 (cited by 4 submitters); PubMed 12488961 (cited by 3 submitters); PubMed 12574234 (cited by 4 submitters); PubMed 15928245 (cited by Labcorp Genetics (formerly Invitae), Labcorp and Athena Diagnostics); PubMed 16249556 (cited by 3 submitters); PubMed 16562587 (cited by 3 submitters); PubMed 21170474 (cited by Labcorp Genetics (formerly Invitae), Labcorp and Athena Diagnostics); PubMed 31264968 (cited by Labcorp Genetics (formerly Invitae), Labcorp); PubMed 10333057 (cited by Women's Health and Genetics/Laboratory Corporation of America, LabCorp and Athena Diagnostics); PubMed 11058894 (cited by Women's Health and Genetics/Laboratory Corporation of America, LabCorp and Athena Diagnostics); PubMed 16274290 (cited by Women's Health and Genetics/Laboratory Corporation of America, LabCorp and Athena Diagnostics); PubMed 12453420 (cited by Women's Health and Genetics/Laboratory Corporation of America, LabCorp and Athena Diagnostics); PubMed 18838325 (cited by Women's Health and Genetics/Laboratory Corporation of America, LabCorp and Athena Diagnostics); PubMed 21051477 (cited by Athena Diagnostics).